The following is an entry in ClinVar:

NM_152564.5(VPS13B):c.4381C>T (p.Pro1461Ser)

Gene: VPS13B (vacuolar protein sorting 13 homolog B; plus strand). Cytogenetic location: 8q22.2.
Variant type: single nucleotide variant.
Coding change: c.4381C>T on transcript NM_152564.5 (MANE Select); coding-DNA position 4381, C replaced by T.
Protein change: p.Pro1461Ser; replaces proline 1461 with serine.
Molecular consequence: missense variant.
Genome position (GRCh38, 1-based): chr8:99,511,260, C>T. VCF-style: chr8-99511260-C-T. GRCh37 (hg19) VCF-style: chr8-100523488-C-T.
Other names: c.4456C>T, p.Pro1486Ser (NM_017890.5); short protein forms P1461S, P1486S.
Identifiers: ClinVar variation 2191927 (VCV002191927.2), dbSNP rs2490521745, ClinGen allele CA371871500.

ClinVar aggregate classification (germline): Uncertain significance. Review status: criteria provided, single submitter (1 of 4 stars). 2 submissions from 2 submitters: Uncertain significance (1). 1 of the submissions does not count toward it. Last evaluated 2022-05-31.

Conditions:
VPS13B-related disorder. Also called: VPS13B-related condition.
Cohen syndrome (COH1). Also called: Cutis verticis gyrata, retinitis pigmentosa, and sensorineural deafness; PEPPER SYNDROME. Identifiers: Orphanet 193, MedGen C0265223, MONDO:0008999, OMIM 216550.

gnomAD v4.1: 2 of 1,614,096 alleles (0.00012%); highest among the groups gnomAD compares: South Asian, 0.0011%; no homozygotes.

Submissions (2):

Labcorp Genetics (formerly Invitae), Labcorp
Classification: Uncertain significance for Cohen syndrome. Last evaluated: 2022-05-31. Review status: criteria provided, single submitter. Criteria: Invitae Variant Classification Sherloc (09022015). Collection method: clinical testing. Allele origin: germline.
Comment: This sequence change replaces proline, which is neutral and non-polar, with serine, which is neutral and polar, at codon 1486 of the VPS13B protein (p.Pro1486Ser). This variant is not present in population databases (gnomAD no frequency). This variant has not been reported in the literature in individuals affected with VPS13B-related conditions. Algorithms developed to predict the effect of missense changes on protein structure and function are either unavailable or do not agree on the potential impact of this missense change (SIFT: "Not Available"; PolyPhen-2: "Probably Damaging"; Align-GVGD: "Not Available"). In summary, the available evidence is currently insufficient to determine the role of this variant in disease. Therefore, it has been classified as a Variant of Uncertain Significance.

PreventionGenetics, part of Exact Sciences
Classification: Uncertain significance for VPS13B-related condition. Last evaluated: 2023-10-26. Review status: no assertion criteria provided. Collection method: clinical testing. Allele origin: germline. Not counted in ClinVar's aggregate classification.
Comment: The VPS13B c.4381C>T variant is predicted to result in the amino acid substitution p.Pro1461Ser. To our knowledge, this variant has not been reported in the literature or in a large population database, indicating this variant is rare. At this time, the clinical significance of this variant is uncertain due to the absence of conclusive functional and genetic evidence.